The following is an entry in ClinVar:

NM_003919.3(SGCE):c.283C>T (p.Pro95Ser)

Genes: CASD1 (CAS1 domain sialic acid O acetyltransferase 1; plus strand), SGCE (sarcoglycan epsilon; minus strand). Cytogenetic location: 7q21.3.
Variant type: single nucleotide variant.
Coding change: c.283C>T on transcript NM_003919.3 (MANE Select); coding-DNA position 283, C replaced by T.
Protein change: p.Pro95Ser; replaces proline 95 with serine.
Molecular consequence: missense variant.
Genome position (GRCh38, 1-based): chr7:94,628,309, G>A on the plus strand (C>T on the coding strand, the complement: SGCE is on the minus strand). VCF-style: chr7-94628309-G-A. GRCh37 (hg19) VCF-style: chr7-94257621-G-A.
Other names: c.283C>T, p.Pro95Ser (NM_001099400.2, NM_001099401.2, NM_001346717.2); c.160C>T, p.Pro54Ser (NM_001301139.2, NM_001362809.2); c.391C>T, p.Pro131Ser (NM_001346713.2, NM_001346715.2); c.196C>T, p.Pro66Ser (NM_001346719.2, NM_001362807.2); c.10C>T, p.Pro4Ser (NM_001346720.2, NM_001362808.2); short protein forms P131S, P54S, P66S, P95S, P4S.
Identifiers: ClinVar variation 945010 (VCV000945010.9), dbSNP rs1187045400, ClinGen allele CA368238333.

ClinVar aggregate classification (germline): Uncertain significance (1 of 4 stars; one submission).

Conditions:
Myoclonic dystonia 11 (DYT11). Also called: DYT-SGCE; Myoclonic dystonia; Dystonia 11; Dystonia, alcohol responsive; Hereditary essential myoclonus; SGCE Myoclonus-Dystonia. Identifiers: Orphanet 36899, MedGen C1834570, MONDO:0008044, OMIM 159900.

Allele frequency attached by ClinVar (database versions not stated): gnomAD 0.00001; TOPMed 0.00001.
gnomAD v4.1: 1 of 1,611,338 alleles (0.000062%); highest among the groups gnomAD compares: African/African-American, 0.0013%; no homozygotes.

Submission:

Labcorp Genetics (formerly Invitae), Labcorp
Classification: Uncertain significance for Myoclonic dystonia 11. Last evaluated: 2019-09-14. Review status: criteria provided, single submitter. Criteria: Invitae Variant Classification Sherloc (09022015). Collection method: clinical testing. Allele origin: germline.
Comment: This variant has not been reported in the literature in individuals with SGCE-related conditions. This sequence change replaces proline with serine at codon 95 of the SGCE protein (p.Pro95Ser). The proline residue is highly conserved and there is a moderate physicochemical difference between proline and serine. This variant is not present in population databases (ExAC no frequency). Algorithms developed to predict the effect of missense changes on protein structure and function (SIFT, PolyPhen-2, Align-GVGD) all suggest that this variant is likely to be disruptive, but these predictions have not been confirmed by published functional studies and their clinical significance is uncertain. In summary, the available evidence is currently insufficient to determine the role of this variant in disease. Therefore, it has been classified as a Variant of Uncertain Significance.